The following is an entry in ClinVar:

ClinVar aggregate classification (germline): Pathogenic (1 of 4 stars; one submission).

Allele frequency attached by ClinVar (database versions not stated): gnomAD exomes below 0.00001; ExAC 0.00001.

Submission:

Labcorp Genetics (formerly Invitae), Labcorp
Classification: Pathogenic. Last evaluated: 2021-04-23. Review status: criteria provided, single submitter. Criteria: Invitae Variant Classification Sherloc (09022015). Collection method: clinical testing. Allele origin: germline.
Comment: This sequence change creates a premature translational stop signal (p.Ile418Argfs*29) in the ESCO2 gene. It is expected to result in an absent or disrupted protein product. Loss-of-function variants in ESCO2 are known to be pathogenic (PMID: 15821733, 16380922). This variant is present in population databases (rs772577005, ExAC 0.009%). This variant has not been reported in the literature in individuals with ESCO2-related conditions. For these reasons, this variant has been classified as Pathogenic.

Literature cited by the submitters: PubMed 15821733; PubMed 16380922.

NM_001017420.3(ESCO2):c.1246_1252dup (p.Ile418fs)

Gene: ESCO2 (establishment of sister chromatid cohesion N-acetyltransferase 2; plus strand). Cytogenetic location: 8p21.1.
Variant type: Duplication.
Coding change: c.1246_1252dup on transcript NM_001017420.3 (MANE Select); coding-DNA positions 1246 to 1252, 7 bases duplicated (GAAGGAA; older notation c.1246_1252dupGAAGGAA).
Protein change: p.Ile418fs; shifts the reading frame from isoleucine 418.
Molecular consequence: frameshift variant.
Genome position (GRCh38, 1-based): chr8:27,788,961-27,788,967, GAAGGAA duplicated. VCF-style (leftmost placement, unchanged base first): chr8-27788960-G-GGAAGGAA. GRCh37 (hg19) VCF-style: chr8-27646477-G-GGAAGGAA.
Other names: short protein forms I418fs.
Identifiers: ClinVar variation 1457066 (VCV001457066.6), dbSNP rs772577005, ClinGen allele CA4692251.
Genomic context (GRCh38, chr8:27,788,960, plus strand): 5'-ATATACTGCTTCCAACCCTGAAGATGAAATGCAGCATGTACAGCATCACCACAGGTTTCT[G>GGAAGGAA]GAAGGAATCAAATATGTGGTGAGCCAAAACATAGTCTTTCAGTTTGTTCTAGAAGTAAAA-3'